The following is an entry in ClinVar:

NM_006506.5(RASA2):c.1826+17A>G

Gene: RASA2 (RAS p21 protein activator 2; plus strand). Cytogenetic location: 3q23.
Variant type: single nucleotide variant.
Coding change: c.1826+17A>G on transcript NM_006506.5 (MANE Select); 17 bases into the intron after coding-DNA position 1826, A replaced by G.
Molecular consequence: intron variant.
Genome position (GRCh38, 1-based): chr3:141,586,115, A>G. VCF-style: chr3-141586115-A-G. GRCh37 (hg19) VCF-style: chr3-141304957-A-G.
Other names: c.1826+17A>G (NM_001303245.3, NM_001303246.3).
Identifiers: ClinVar variation 1956986 (VCV001956986.5), dbSNP rs762251474, ClinGen allele CA2645624.

ClinVar aggregate classification (germline): Uncertain significance (1 of 4 stars; one submission).

Allele frequency attached by ClinVar (database versions not stated): gnomAD exomes below 0.00001; TOPMed below 0.00001; ExAC 0.00001.
gnomAD v4.1: 3 of 1,567,894 alleles (0.00019%); highest among the groups gnomAD compares: Admixed American, 0.005%; no homozygotes.

Submission:

Labcorp Genetics (formerly Invitae), Labcorp
Classification: Uncertain significance. Last evaluated: 2024-09-06. Review status: criteria provided, single submitter. Criteria: Invitae Variant Classification Sherloc (09022015). Collection method: clinical testing. Allele origin: germline.
Comment: This sequence change falls in intron 18 of the RASA2 gene. It does not directly change the encoded amino acid sequence of the RASA2 protein. The frequency data for this variant in the population databases is considered unreliable, as metrics indicate poor data quality at this position in the gnomAD database. This variant has not been reported in the literature in individuals affected with RASA2-related conditions. ClinVar contains an entry for this variant (Variation ID: 1956986). Algorithms developed to predict the effect of sequence changes on RNA splicing suggest that this variant may create or strengthen a splice site. In summary, the available evidence is currently insufficient to determine the role of this variant in disease. Therefore, it has been classified as a Variant of Uncertain Significance.